The following is an entry in ClinVar:

ClinVar aggregate classification (germline): Uncertain significance (1 of 4 stars; one submission).

Conditions:
Hereditary cancer-predisposing syndrome. Also called: Neoplastic Syndromes, Hereditary; Tumor predisposition; Hereditary Cancer Syndrome; Hereditary neoplastic syndrome. Identifiers: Orphanet 140162, MedGen C0027672, MeSH D009386, MONDO:0015356.

Submission:

Ambry Genetics
Classification: Uncertain significance for Hereditary cancer-predisposing syndrome. Last evaluated: 2016-11-23. Review status: criteria provided, single submitter. Criteria: Ambry Variant Classification Scheme 2023. Collection method: clinical testing. Allele origin: germline.
Comment: The p.P719R variant (also known as c.2156C>G), located in coding exon 5 of the PALB2 gene, results from a C to G substitution at nucleotide position 2156. The proline at codon 719 is replaced by arginine, an amino acid with dissimilar properties. This variant was not reported in population based cohorts in the following databases: Database of Single Nucleotide Polymorphisms (dbSNP), NHLBI Exome Sequencing Project (ESP), and 1000 Genomes Project. In the ESP, this variant was not observed in 6497 samples (12994 alleles) with coverage at this position. To date, this alteration has been detected with an allele frequency of approximately 0.0004% (greater than 225000 alleles tested) in our clinical cohort. This amino acid position is poorly conserved in available vertebrate species. In addition, this alteration is predicted to be tolerated by in silico analysis. Since supporting evidence is limited at this time, the clinical significance of this alteration remains unclear.

NM_024675.4(PALB2):c.2156C>G (p.Pro719Arg)

Gene: PALB2 (partner and localizer of BRCA2; minus strand). Cytogenetic location: 16p12.2.
Variant type: single nucleotide variant.
Coding change: c.2156C>G on transcript NM_024675.4 (MANE Select); coding-DNA position 2156, C replaced by G.
Protein change: p.Pro719Arg; replaces proline 719 with arginine.
Molecular consequence: missense variant.
Genome position (GRCh38, 1-based): chr16:23,629,998, G>C on the plus strand (C>G on the coding strand, the complement: PALB2 is on the minus strand). VCF-style: chr16-23629998-G-C. GRCh37 (hg19) VCF-style: chr16-23641319-G-C.
Other names: short protein forms P719R.
Identifiers: ClinVar variation 484206 (VCV000484206.5), dbSNP rs1555460467, ClinGen allele CA395125681.
Genomic context (GRCh38, chr16:23,629,998, plus strand): 5'-GGGCCAAAGGCTGGAGTAGTACCTAAGATGGGGAAAGCAGGTGAACACATGTCTGTGGTA[G>C]GCCTGTCATTATCATCAGGCGCAACCGTATTTAAAGGAGTATAAAGTAATATGGATGAAG-3'
Protein context (NP_078951.2, residues 709-729): NTVAPDDNDR[Pro719Arg]TTDMCSPAFP